The following is an entry in ClinVar:

NM_001378902.1(ROS1):c.264G>A (p.Ser88=)

Gene: ROS1 (ROS proto-oncogene 1, receptor tyrosine kinase; minus strand). Cytogenetic location: 6q22.1.
Variant type: single nucleotide variant.
Coding change: c.264G>A on transcript NM_001378902.1 (MANE Select); coding-DNA position 264, G replaced by A.
Protein change: p.Ser88=; no amino-acid change (serine 88 retained).
Molecular consequence: synonymous variant.
Genome position (GRCh38, 1-based): chr6:117,409,634, C>T on the plus strand (G>A on the coding strand, the complement: ROS1 is on the minus strand). VCF-style: chr6-117409634-C-T. GRCh37 (hg19) VCF-style: chr6-117730797-C-T.
Other names: NC_000006.11:g.117730797C>T; c.264G>A, p.Ser88= (NM_001378891.1); c.237G>A, p.Ser79= (NM_002944.3).
Identifiers: ClinVar variation 786408 (VCV000786408.29), dbSNP rs55736087, ClinGen allele CA3975960.
Genomic context (GRCh38, chr6:117,409,634, plus strand): 5'-CCTCTTACCCAGTACTTCCTCTTCATATGCACCTTCCGCGCTGCTACAGCCAACCTCACA[C>T]GACTCCCGCTGTGGAAGACAGGGAGCATGACAGTCAGGGCAGCCTTGATACTGGTTTTGC-3'
Protein context (NP_001365831.1, residues 78-98): DTYATVCERE[Ser88=]CEVGCSSAEG

ClinVar aggregate classification (germline): Benign/Likely benign. Review status: criteria provided, multiple submitters, no conflicts (2 of 4 stars). 2 submissions from 2 submitters: Benign (1); Likely benign (1). Last evaluated 2022-12-01.

Allele frequency attached by ClinVar (database versions not stated): 1000 Genomes Project 30x 0.00047; 1000 Genomes Project 0.00060; TOPMed 0.00246; ExAC 0.00260; gnomAD exomes 0.00268 and 0.00365; gnomAD 0.00276 and 0.00284; ESP Exome Variant Server 0.00292.
gnomAD v4.1: 5,701 of 1,613,732 alleles (0.35%); highest among the groups gnomAD compares: Non-Finnish European, 0.44%; 7 homozygotes.

Submissions (4):

CeGaT Center for Human Genetics Tuebingen
Classification: Likely benign. Last evaluated: 2022-12-01. Review status: criteria provided, single submitter. Criteria: CeGaT Center For Human Genetics Tuebingen Variant Classification Criteria Version 2. Collection method: clinical testing. Allele origin: germline. Affected: yes. Observed: 1 variant allele.
Comment: ROS1: BP4, BP7

Labcorp Genetics (formerly Invitae), Labcorp
Classification: Benign. Last evaluated: 2019-12-31. Review status: criteria provided, single submitter. Criteria: Invitae Variant Classification Sherloc (09022015). Collection method: clinical testing. Allele origin: germline.

Dr. Peter K. Rogan Lab, Western University
No classification provided (evidence only). Condition: Lung cancer. Review status: no classification provided. Collection method: in vitro. Allele origin: not applicable. Functional consequence: retained intron. Not counted in ClinVar's aggregate classification.

Dr. Peter K. Rogan Lab, Western University
No classification provided (evidence only). Condition: Hepatocellular carcinoma. Review status: no classification provided. Collection method: in vitro. Allele origin: not applicable. Functional consequence: retained intron. Not counted in ClinVar's aggregate classification.